The following is an entry in ClinVar:

NM_024426.6(WT1):c.193G>T (p.Gly65Trp)

Genes: WT1 (WT1 transcription factor; minus strand), LOC107982234 (WT1/WT1-AS bi-directional promoter region; plus strand). Cytogenetic location: 11p13.
Variant type: single nucleotide variant.
Coding change: c.193G>T on transcript NM_024426.6 (MANE Select); coding-DNA position 193, G replaced by T.
Protein change: p.Gly65Trp; replaces glycine 65 with tryptophan.
Molecular consequence: missense variant. On other transcripts: non-coding transcript variant (1).
Genome position (GRCh38, 1-based): chr11:32,435,168, C>A on the plus strand (G>T on the coding strand, the complement: WT1 is on the minus strand). VCF-style: chr11-32435168-C-A. GRCh37 (hg19) VCF-style: chr11-32456714-C-A.
Other names: c.193G>T, p.Gly65Trp (NM_000378.6, NM_024424.5); short protein forms G65W.
Identifiers: ClinVar variation 646844 (VCV000646844.14), dbSNP rs374404615, ClinGen allele CA379966190.

ClinVar aggregate classification (germline): Conflicting classifications of pathogenicity. Review status: criteria provided, conflicting classifications (1 of 4 stars). 4 submissions from 4 submitters: Uncertain significance (3); Likely benign (1). Last evaluated 2025-03-12.

Conditions:
Inborn genetic diseases. Identifiers: MedGen C0950123, MeSH D030342.
Wilms tumor 1 (WT1). Also called: Wilms tumor, somatic. Identifiers: Orphanet 654, MedGen CN033288, MONDO:0008679, OMIM 194070.
11p partial monosomy syndrome (WAGR). Also called: WAGR Complex; WAGR Spectrum Disorder; CHROMOSOME 11p13 DELETION SYNDROME; WAGR syndrome. Identifiers: Orphanet 893, MedGen C0206115, MONDO:0008681, OMIM 194072.
Frasier syndrome. Identifiers: Orphanet 347, MedGen C0950122, MeSH D052159, MONDO:0007635, OMIM 136680.
Drash syndrome (DDS). Also called: WILMS TUMOR AND PSEUDO- OR TRUE HERMAPHRODITISM; NEPHROPATHY, WILMS TUMOR, AND GENITAL ANOMALIES. Identifiers: Orphanet 220, MedGen C0950121, MONDO:0008682, OMIM 194080.

gnomAD v4.1: 4 of 1,521,198 alleles (0.00026%); highest among the groups gnomAD compares: Non-Finnish European, 0.00035%; no homozygotes.

Submissions (4):

Ambry Genetics
Classification: Likely benign for Inborn genetic diseases. Last evaluated: 2025-03-12. Review status: criteria provided, single submitter. Criteria: Ambry Variant Classification Scheme 2023. Collection method: clinical testing. Allele origin: germline.

GeneDx
Classification: Uncertain significance. Last evaluated: 2023-10-20. Review status: criteria provided, single submitter. Criteria: GeneDx Variant Classification Process June 2021. Collection method: clinical testing. Allele origin: germline. Affected: yes.
Comment: Not observed at significant frequency in large population cohorts (gnomAD); In silico analysis supports that this missense variant does not alter protein structure/function; Has not been previously published as pathogenic or benign to our knowledge

Baylor Genetics
Classification: Uncertain significance for Drash syndrome. Last evaluated: 2023-05-10. Review status: criteria provided, single submitter. Criteria: ACMG Guidelines, 2015. Collection method: clinical testing. Allele origin: unknown.

Labcorp Genetics (formerly Invitae), Labcorp
Classification: Uncertain significance for Wilms tumor 1; Drash syndrome; 11p partial monosomy syndrome; Frasier syndrome. Last evaluated: 2022-12-29. Review status: criteria provided, single submitter. Criteria: Invitae Variant Classification Sherloc (09022015). Collection method: clinical testing. Allele origin: germline.
Comment: In summary, the available evidence is currently insufficient to determine the role of this variant in disease. Therefore, it has been classified as a Variant of Uncertain Significance. Advanced modeling of protein sequence and biophysical properties (such as structural, functional, and spatial information, amino acid conservation, physicochemical variation, residue mobility, and thermodynamic stability) has been performed at Invitae for this missense variant, however the output from this modeling did not meet the statistical confidence thresholds required to predict the impact of this variant on WT1 protein function. ClinVar contains an entry for this variant (Variation ID: 646844). This variant has not been reported in the literature in individuals affected with WT1-related conditions. This variant is not present in population databases (gnomAD no frequency). This sequence change replaces glycine, which is neutral and non-polar, with tryptophan, which is neutral and slightly polar, at codon 60 of the WT1 protein (p.Gly60Trp).